The following is an entry in ClinVar:

NM_020911.2(PLXNA4):c.*5C>T

Gene: PLXNA4 (plexin A4; minus strand). Cytogenetic location: 7q32.3.
Variant type: single nucleotide variant.
Coding change: c.*5C>T on transcript NM_020911.2 (MANE Select); 5 bases downstream of the stop codon, C replaced by T.
Molecular consequence: 3 prime UTR variant.
Genome position (GRCh38, 1-based): chr7:132,130,474, G>A on the plus strand (C>T on the coding strand, the complement: PLXNA4 is on the minus strand). VCF-style: chr7-132130474-G-A. GRCh37 (hg19) VCF-style: chr7-131815233-G-A.
Other names: c.*5C>T (NM_001393897.1).
Identifiers: ClinVar variation 3036086 (VCV003036086.2), dbSNP rs199878062, ClinGen allele CA4488827.
Genomic context (GRCh38, chr7:132,130,474, plus strand): 5'-TGATAATCTAGACTGAGGCACGGCTTGGTGTGTCCCCCTCCAGGGCGGCCCTGGAAGGAC[G>A]GTTCTCAGCTGTCTAAGCTCATGAGGGTTATGACTTGTTCTAGTTTGTAGGCCAGTTTCT-3'

ClinVar aggregate classification (germline): Likely benign (0 of 4 stars; one submission).

Conditions:
PLXNA4-related disorder. Also called: PLXNA4-related condition.

Allele frequency attached by ClinVar (database versions not stated): ExAC 0.00005; gnomAD exomes 0.00010; ESP Exome Variant Server 0.00016; 1000 Genomes Project 0.00020; 1000 Genomes Project 30x 0.00031.
gnomAD v4.1: 158 of 1,614,150 alleles (0.0098%); highest among the groups gnomAD compares: Middle Eastern, 0.066%; no homozygotes.

Submission:

PreventionGenetics, part of Exact Sciences
Classification: Likely benign for PLXNA4-related condition. Last evaluated: 2022-03-10. Review status: no assertion criteria provided. Collection method: clinical testing. Allele origin: germline.
Comment: This variant is classified as likely benign based on ACMG/AMP sequence variant interpretation guidelines (Richards et al. 2015 PMID: 25741868, with internal and published modifications).